The following is an entry in ClinVar:

ClinVar aggregate classification (germline): Uncertain significance (1 of 4 stars; one submission).

Submission:

Labcorp Genetics (formerly Invitae), Labcorp
Classification: Uncertain significance. Last evaluated: 2022-07-12. Review status: criteria provided, single submitter. Criteria: Invitae Variant Classification Sherloc (09022015). Collection method: clinical testing. Allele origin: germline.
Comment: This sequence change replaces glutamic acid with glutamine at codon 807 of the CEP250 protein (p.Glu807Gln). The glutamic acid residue is highly conserved and there is a small physicochemical difference between glutamic acid and glutamine. In summary, the available evidence is currently insufficient to determine the role of this variant in disease. Therefore, it has been classified as a Variant of Uncertain Significance. Algorithms developed to predict the effect of missense changes on protein structure and function are either unavailable or do not agree on the potential impact of this missense change (SIFT: "Not Available"; PolyPhen-2: "Probably Damaging"; Align-GVGD: "Not Available"). ClinVar contains an entry for this variant (Variation ID: 1407635). This variant has not been reported in the literature in individuals affected with CEP250-related conditions. This variant is not present in population databases (gnomAD no frequency).

NM_007186.6(CEP250):c.2419G>C (p.Glu807Gln)

Genes: CEP250 (centrosomal protein 250; plus strand), CEP250-AS1 (CEP250 antisense RNA 1; minus strand). Cytogenetic location: 20q11.22.
Variant type: single nucleotide variant.
Coding change: c.2419G>C on transcript NM_007186.6 (MANE Select); coding-DNA position 2419, G replaced by C.
Protein change: p.Glu807Gln; replaces glutamic acid 807 with glutamine.
Molecular consequence: missense variant.
Genome position (GRCh38, 1-based): chr20:35,479,978, G>C. VCF-style: chr20-35479978-G-C. GRCh37 (hg19) VCF-style: chr20-34067803-G-C.
Other names: c.523G>C, p.Glu175Gln (NM_001318219.1); short protein forms E175Q, E807Q.
Identifiers: ClinVar variation 1407635 (VCV001407635.6), dbSNP rs1273285674, ClinGen allele CA408769651.